The following is an entry in ClinVar:

ClinVar aggregate classification (germline): Uncertain significance (1 of 4 stars; one submission).

Allele frequency attached by ClinVar (database versions not stated): gnomAD exomes below 0.00001.
gnomAD v4.1: 2 of 1,614,140 alleles (0.00012%); highest among the groups gnomAD compares: South Asian, 0.0011%; no homozygotes.

Submission:

Ambry Genetics
Classification: Uncertain significance. Last evaluated: 2022-09-01. Review status: criteria provided, single submitter. Criteria: Ambry Variant Classification Scheme 2023. Collection method: clinical testing. Allele origin: germline.
Comment: The p.T244I variant (also known as c.731C>T), located in coding exon 4 of the MNDA gene, results from a C to T substitution at nucleotide position 731. The threonine at codon 244 is replaced by isoleucine, an amino acid with similar properties. This amino acid position is conserved. In addition, this alteration is predicted to be tolerated by in silico analysis. Since supporting evidence is limited at this time, the clinical significance of this alteration remains unclear.

NM_002432.3(MNDA):c.731C>T (p.Thr244Ile)

Gene: MNDA (myeloid cell nuclear differentiation antigen; plus strand). Cytogenetic location: 1q23.1.
Variant type: single nucleotide variant.
Coding change: c.731C>T on transcript NM_002432.3 (MANE Select); coding-DNA position 731, C replaced by T.
Protein change: p.Thr244Ile; replaces threonine 244 with isoleucine.
Molecular consequence: missense variant.
Genome position (GRCh38, 1-based): chr1:158,845,747, C>T. VCF-style: chr1-158845747-C-T. GRCh37 (hg19) VCF-style: chr1-158815537-C-T.
Other names: short protein forms T244I.
Identifiers: ClinVar variation 1758297 (VCV001758297.2), dbSNP rs1296824635, ClinGen allele CA343041290.